The following is an entry in ClinVar:

NM_000287.4(PEX6):c.1810A>G (p.Ile604Val)

Gene: PEX6 (peroxisomal biogenesis factor 6; minus strand). Cytogenetic location: 6p21.1.
Variant type: single nucleotide variant.
Coding change: c.1810A>G on transcript NM_000287.4 (MANE Select); coding-DNA position 1810, A replaced by G.
Protein change: p.Ile604Val; replaces isoleucine 604 with valine.
Molecular consequence: missense variant. On other transcripts: non-coding transcript variant (1).
Genome position (GRCh38, 1-based): chr6:42,967,442, T>C on the plus strand (A>G on the coding strand, the complement: PEX6 is on the minus strand). VCF-style: chr6-42967442-T-C. GRCh37 (hg19) VCF-style: chr6-42935180-T-C.
Other names: c.1546A>G, p.Ile516Val (NM_001316313.2); short protein forms I516V, I604V.
Identifiers: ClinVar variation 968563 (VCV000968563.7), dbSNP rs370855809, ClinGen allele CA3811215.
Genomic context (GRCh38, chr6:42,967,442, plus strand): 5'-CTAGCTGTGCCAAGTTCACCTCCTGGCCCAGGGGAAGGTGGGCAGTGAGGGCCCGCAGGA[T>C]GCTGAGCCGCTGCCCCTCTGACAGAGCAGGCACCTCGAGCTCATGAGGAAATGCTGTCTG-3'
Protein context (NP_000278.3, residues 594-614): PALSEGQRLS[Ile604Val]LRALTAHLPL

ClinVar aggregate classification (germline): Uncertain significance. Review status: criteria provided, single submitter (1 of 4 stars). 2 submissions from 2 submitters: Uncertain significance (1). 1 of the submissions does not count toward it. Last evaluated 2022-09-01.

Conditions:
Zellweger spectrum disorders (ZS). Also called: Zellweger Spectrum Disorder; Zellweger Spectrum; Zellweger syndrome; Zellweger Spectrum Disorder (ZSD). Identifiers: Orphanet 912, MedGen C0043459, MONDO:0019609.
Peroxisome biogenesis disorder. Identifiers: Orphanet 79189, MedGen C1832200, MONDO:0019234. Disease mechanism: loss of function.

Allele frequency attached by ClinVar (database versions not stated): gnomAD exomes 0.00001 and 0.00002; TOPMed 0.00001; ExAC 0.00002; ESP Exome Variant Server 0.00008.
gnomAD v4.1: 13 of 1,613,100 alleles (0.00081%); highest among the groups gnomAD compares: Middle Eastern, 0.033%; 1 homozygote.

Submissions (2):

Labcorp Genetics (formerly Invitae), Labcorp
Classification: Uncertain significance for Peroxisome biogenesis disorder. Last evaluated: 2022-09-01. Review status: criteria provided, single submitter. Criteria: Invitae Variant Classification Sherloc (09022015). Collection method: clinical testing. Allele origin: germline.
Comment: This sequence change replaces isoleucine, which is neutral and non-polar, with valine, which is neutral and non-polar, at codon 604 of the PEX6 protein (p.Ile604Val). This variant is present in population databases (rs370855809, gnomAD 0.009%). This variant has not been reported in the literature in individuals affected with PEX6-related conditions. ClinVar contains an entry for this variant (Variation ID: 968563). Algorithms developed to predict the effect of missense changes on protein structure and function output the following: SIFT: "Tolerated"; PolyPhen-2: "Benign"; Align-GVGD: "Class C0". The valine amino acid residue is found in multiple mammalian species, which suggests that this missense change does not adversely affect protein function. In summary, the available evidence is currently insufficient to determine the role of this variant in disease. Therefore, it has been classified as a Variant of Uncertain Significance.

Natera, Inc.
Classification: Uncertain significance for Zellweger syndrome. Last evaluated: 2020-03-17. Review status: no assertion criteria provided. Collection method: clinical testing. Allele origin: germline. Not counted in ClinVar's aggregate classification.